The following is an entry in ClinVar:

NM_001110556.2(FLNA):c.4661G>A (p.Gly1554Glu)

Gene: FLNA (filamin A; minus strand). Cytogenetic location: Xq28.
Variant type: single nucleotide variant.
Coding change: c.4661G>A on transcript NM_001110556.2 (MANE Select); coding-DNA position 4661, G replaced by A.
Protein change: p.Gly1554Glu; replaces glycine 1554 with glutamic acid.
Molecular consequence: missense variant.
Genome position (GRCh38, 1-based): chrX:154,358,293, C>T on the plus strand (G>A on the coding strand, the complement: FLNA is on the minus strand). VCF-style: chrX-154358293-C-T. GRCh37 (hg19) VCF-style: chrX-153586661-C-T.
Other names: c.4661G>A, p.Gly1554Glu (NM_001456.4); short protein forms G1554E.
Identifiers: ClinVar variation 2101243 (VCV002101243.4), dbSNP rs2522735097, ClinGen allele CA415214886.
Genomic context (GRCh38, chrX:154,358,293, plus strand): 5'-TCCTTTGCATCGATGGTGAACTCCACGGGCAGGCTGGCAGGCACGCCAGTGGTGTTGAGC[C>T]CGGGGCCACTGGCCTTCACCTTGCTGGCATCATGAGTAGGCAGCACCTTGACCTTGAAGG-3'
Protein context (NP_001104026.1, residues 1544-1564): DASKVKASGP[Gly1554Glu]LNTTGVPASL

ClinVar aggregate classification (germline): Uncertain significance (1 of 4 stars; one submission).

Conditions:
Melnick-Needles syndrome (MNS). Also called: MELNICK-NEEDLES OSTEODYSPLASTY; OSTEODYSPLASTY OF MELNICK AND NEEDLES; Melnick-Needles Syndrome (FLNA-MNS). Identifiers: Orphanet 2484, MedGen C0025237, MONDO:0010650, OMIM 309350.
Heterotopia, periventricular, X-linked dominant (PVNH1). Also called: PERIVENTRICULAR NODULAR HETEROTOPIA 1; X-linked periventricular heterotopia; PERIVENTRICULAR NODULAR HETEROTOPIA 4; HETEROTOPIA, PERIVENTRICULAR, 1. Identifiers: Orphanet 2149, Orphanet 82004, MedGen C1848213, MONDO:0010233, OMIM 300049.
Frontometaphyseal dysplasia (FMD1). Identifiers: Orphanet 1826, MedGen C0265293, MONDO:0015942.
Oto-palato-digital syndrome, type II (OPD2). Also called: FACIOPALATOOSSEOUS SYNDROME; OPD II SYNDROME; Otopalatodigital Syndrome Type 2 (FLNA-OPD2); Otopalatodigital Syndrome, Type II. Identifiers: Orphanet 669, Orphanet 90652, MedGen C1844696, MONDO:0010571, OMIM 304120.

Submission:

Labcorp Genetics (formerly Invitae), Labcorp
Classification: Uncertain significance for Oto-palato-digital syndrome, type II; Heterotopia, periventricular, X-linked dominant; Frontometaphyseal dysplasia; Melnick-Needles syndrome. Last evaluated: 2022-02-21. Review status: criteria provided, single submitter. Criteria: Invitae Variant Classification Sherloc (09022015). Collection method: clinical testing. Allele origin: germline.
Comment: In summary, the available evidence is currently insufficient to determine the role of this variant in disease. Therefore, it has been classified as a Variant of Uncertain Significance. Advanced modeling of protein sequence and biophysical properties (such as structural, functional, and spatial information, amino acid conservation, physicochemical variation, residue mobility, and thermodynamic stability) performed at Invitae indicates that this missense variant is expected to disrupt FLNA protein function. This variant has not been reported in the literature in individuals affected with FLNA-related conditions. This variant is not present in population databases (gnomAD no frequency). This sequence change replaces glycine, which is neutral and non-polar, with glutamic acid, which is acidic and polar, at codon 1554 of the FLNA protein (p.Gly1554Glu).